The following is an entry in ClinVar:

ClinVar aggregate classification (germline): Conflicting classifications of pathogenicity. Review status: criteria provided, conflicting classifications (1 of 4 stars). 3 submissions from 3 submitters: Uncertain significance (2); Likely benign (1). Last evaluated 2026-03-27.

Conditions:
Cardiovascular phenotype. Identifiers: MedGen CN230736.

gnomAD v4.1: 11 of 1,613,714 alleles (0.00068%); highest among the groups gnomAD compares: Admixed American, 0.0017%; no homozygotes.

Submissions (3):

Molecular Diagnostic Laboratory for Inherited Cardiovascular Disease, Montreal Heart Institute
Classification: Likely benign. Last evaluated: 2026-03-27. Review status: criteria provided, single submitter. Criteria: ACMG Guidelines, 2015. Collection method: clinical testing. Allele origin: germline. Affected: no.
Comment: BP1

Revvity Omics, Revvity
Classification: Uncertain significance. Last evaluated: 2024-06-06. Review status: criteria provided, single submitter. Criteria: ACMG Guidelines, 2015. Collection method: clinical testing. Allele origin: germline.

Ambry Genetics
Classification: Uncertain significance for Cardiovascular phenotype. Last evaluated: 2020-02-27. Review status: criteria provided, single submitter. Criteria: Ambry Variant Classification Scheme 2023. Collection method: clinical testing. Allele origin: germline.
Comment: The p.T20838I variant (also known as c.62513C>T), located in coding exon 162 of the TTN gene, results from a C to T substitution at nucleotide position 62513. The threonine at codon 20838 is replaced by isoleucine, an amino acid with similar properties. This amino acid position is highly conserved in available vertebrate species. In addition, the in silico prediction for this alteration is inconclusive. Since supporting evidence is limited at this time, the clinical significance of this alteration remains unclear.

NM_001267550.2(TTN):c.89708C>T (p.Thr29903Ile)

Genes: TTN (titin; minus strand), TTN-AS1 (TTN antisense RNA 1; plus strand). Cytogenetic location: 2q31.2.
Variant type: single nucleotide variant.
Coding change: c.89708C>T on transcript NM_001267550.2 (MANE Select); coding-DNA position 89708, C replaced by T.
Protein change: p.Thr29903Ile; replaces threonine 29903 with isoleucine.
Molecular consequence: missense variant.
Genome position (GRCh38, 1-based): chr2:178,553,192, G>A on the plus strand (C>T on the coding strand, the complement: TTN is on the minus strand). VCF-style: chr2-178553192-G-A. GRCh37 (hg19) VCF-style: chr2-179417919-G-A.
Other names: c.84785C>T, p.Thr28262Ile (NM_001256850.1); c.62513C>T, p.Thr20838Ile (NM_003319.4); c.82004C>T, p.Thr27335Ile (NM_133378.4); c.62888C>T, p.Thr20963Ile (NM_133432.3); c.63089C>T, p.Thr21030Ile (NM_133437.4); short protein forms T20963I, T27335I, T28262I, T20838I, T29903I, T21030I.
Identifiers: ClinVar variation 1752449 (VCV001752449.4), dbSNP rs72648240, ClinGen allele CA1987880.
Genomic context (GRCh38, chr2:178,553,192, plus strand): 5'-GACTTAGGTTCACCAACTCCATTTTCTATTGTGAGAATATATTTTCCTGTATCATTGCGA[G>A]TAACTTGAGGAATGGTGAGTAATGAGGATGAATCAGTGTTTTCAATGCTGTATCTGGCAT-3'
Protein context (NP_001254479.2, residues 29893-29913): SSSLLTIPQV[Thr29903Ile]RNDTGKYILT